The following is an entry in ClinVar:

ClinVar aggregate classification (germline): Uncertain significance (1 of 4 stars; one submission).

Conditions:
Agammaglobulinemia 7, autosomal recessive (AGM7). Also called: AGAMMAGLOBULINEMIA, AUTOSOMAL RECESSIVE, DUE TO PIK3R1 DEFECT. Identifiers: MedGen C3554689, MONDO:0014083, OMIM 615214.
Immunodeficiency 36 with lymphoproliferation. Also called: Immunodeficiency 36; ACTIVATED PI3K-DELTA SYNDROME 2; Activated PI3K Delta Syndrome Type 2 (APDS2). Identifiers: Orphanet 397596, Orphanet 693681, MedGen C4014934, MONDO:0014453, OMIM 616005.
SHORT syndrome. Also called: SHORT STATURE, HYPEREXTENSIBILITY, HERNIA, OCULAR DEPRESSION, RIEGER ANOMALY, AND TEETHING DELAY; LIPODYSTROPHY, PARTIAL, WITH RIEGER ANOMALY AND SHORT STATURE; PIK3R1-Related SHORT Syndrome. Identifiers: Orphanet 3163, MedGen C0878684, MONDO:0010026, OMIM 269880.

gnomAD v4.1: 5 of 1,613,072 alleles (0.00031%); highest among the groups gnomAD compares: Admixed American, 0.0033%; no homozygotes.

Submission:

Labcorp Genetics (formerly Invitae), Labcorp
Classification: Uncertain significance for SHORT syndrome; Immunodeficiency 36 with lymphoproliferation; Agammaglobulinemia 7, autosomal recessive. Last evaluated: 2024-12-07. Review status: criteria provided, single submitter. Criteria: Invitae Variant Classification Sherloc (09022015). Collection method: clinical testing. Allele origin: germline.
Comment: This sequence change replaces glycine, which is neutral and non-polar, with arginine, which is basic and polar, at codon 100 of the PIK3R1 protein (p.Gly100Arg). This variant is present in population databases (rs780053686, gnomAD 0.007%). This variant has not been reported in the literature in individuals affected with PIK3R1-related conditions. An algorithm developed to predict the effect of missense changes on protein structure and function (PolyPhen-2) suggests that this variant is likely to be disruptive. In summary, the available evidence is currently insufficient to determine the role of this variant in disease. Therefore, it has been classified as a Variant of Uncertain Significance.

NM_181523.3(PIK3R1):c.298G>C (p.Gly100Arg)

Gene: PIK3R1 (phosphoinositide-3-kinase regulatory subunit 1; plus strand). Cytogenetic location: 5q13.1.
Variant type: single nucleotide variant.
Coding change: c.298G>C on transcript NM_181523.3 (MANE Select); coding-DNA position 298, G replaced by C.
Protein change: p.Gly100Arg; replaces glycine 100 with arginine.
Molecular consequence: missense variant.
Genome position (GRCh38, 1-based): chr5:68,226,973, G>C. VCF-style: chr5-68226973-G-C. GRCh37 (hg19) VCF-style: chr5-67522801-G-C.
Other names: short protein forms G100R.
Identifiers: ClinVar variation 3752204 (VCV003752204.2).
Genomic context (GRCh38, chr5:68,226,973, plus strand): 5'-AAAAAAATCTCGCCTCCCACACCAAAGCCCCGGCCACCTCGGCCTCTTCCTGTTGCACCA[G>C]GTTCTTCGAAAACTGAAGCAGATGTTGAACAACAAGGTCAGTATTGATAAGTGGTTGCTT-3'
Protein context (NP_852664.1, residues 90-110): RPPRPLPVAP[Gly100Arg]SSKTEADVEQ